The following is an entry in ClinVar:

NM_001458.5(FLNC):c.3129T>G (p.Asp1043Glu)

Gene: FLNC (filamin C; plus strand). Cytogenetic location: 7q32.1.
Variant type: single nucleotide variant.
Coding change: c.3129T>G on transcript NM_001458.5 (MANE Select); coding-DNA position 3129, T replaced by G.
Protein change: p.Asp1043Glu; replaces aspartic acid 1043 with glutamic acid.
Molecular consequence: missense variant.
Genome position (GRCh38, 1-based): chr7:128,844,203, T>G. VCF-style: chr7-128844203-T-G. GRCh37 (hg19) VCF-style: chr7-128484257-T-G.
Other names: c.3129T>G, p.Asp1043Glu (NM_001127487.2); short protein forms D1043E.
Identifiers: ClinVar variation 3763927 (VCV003763927.4).

ClinVar aggregate classification (germline): Uncertain significance. Review status: criteria provided, multiple submitters, no conflicts (2 of 4 stars). 3 submissions from 3 submitters: Uncertain significance (3). Last evaluated 2026-03-17.

Conditions:
Myofibrillar myopathy 5. Also called: Filaminopathy (type); FILAMINOPATHY, AUTOSOMAL DOMINANT. Identifiers: Orphanet 171445, MedGen C1836050, MONDO:0012289, OMIM 609524.
Distal myopathy with posterior leg and anterior hand involvement. Also called: WILLIAMS DISTAL MYOPATHY. Identifiers: Orphanet 63273, MedGen C3279722, MONDO:0013550, OMIM 614065.
Hypertrophic cardiomyopathy 26. Also called: Cardiomyopathy, familial hypertrophic, 26. Identifiers: Orphanet 75249, MedGen C4310749, MONDO:0014883, OMIM 617047.

gnomAD v4.1: 1 of 1,612,906 alleles (0.000062%); highest among the groups gnomAD compares: African/African-American, 0.0013%; no homozygotes.

Submissions (3):

GeneDx
Classification: Uncertain significance. Last evaluated: 2026-03-17. Review status: criteria provided, single submitter. Criteria: GeneDx Variant Classification Process June 2021. Collection method: clinical testing. Allele origin: germline.
Comment: Not observed at significant frequency in large population cohorts (gnomAD); In silico analysis supports that this missense variant has a deleterious effect on protein structure/function; Has not been previously published as pathogenic or benign to our knowledge

Labcorp Genetics (formerly Invitae), Labcorp
Classification: Uncertain significance for Distal myopathy with posterior leg and anterior hand involvement; Myofibrillar myopathy 5; Hypertrophic cardiomyopathy 26. Last evaluated: 2025-03-19. Review status: criteria provided, single submitter. Criteria: Invitae Variant Classification Sherloc (09022015). Collection method: clinical testing. Allele origin: germline.
Comment: This sequence change replaces aspartic acid, which is acidic and polar, with glutamic acid, which is acidic and polar, at codon 1043 of the FLNC protein (p.Asp1043Glu). This variant is not present in population databases (gnomAD no frequency). This variant has not been reported in the literature in individuals affected with FLNC-related conditions. Invitae Evidence Modeling of protein sequence and biophysical properties (such as structural, functional, and spatial information, amino acid conservation, physicochemical variation, residue mobility, and thermodynamic stability) has been performed for this missense variant. However, the output from this modeling did not meet the statistical confidence thresholds required to predict the impact of this variant on FLNC protein function. In summary, the available evidence is currently insufficient to determine the role of this variant in disease. Therefore, it has been classified as a Variant of Uncertain Significance.

Revvity Omics, Revvity
Classification: Uncertain significance. Last evaluated: 2024-06-18. Review status: criteria provided, single submitter. Criteria: ACMG Guidelines, 2015. Collection method: clinical testing. Allele origin: germline.